The following is an entry in ClinVar:

ClinVar aggregate classification (germline): Pathogenic/Likely pathogenic. Review status: criteria provided, multiple submitters, no conflicts (2 of 4 stars). 21 submissions from 21 submitters: Pathogenic (14); Likely pathogenic (6). 1 of the submissions does not count toward it. Last evaluated 2026-10-14.

Conditions:
Inborn genetic diseases. Identifiers: MedGen C0950123, MeSH D030342.
Joubert syndrome 9 (JBTS9). Identifiers: Orphanet 2318, MedGen C2676788, MONDO:0012849, OMIM 612285.
COACH syndrome 2. Identifiers: MedGen C5436837, MONDO:0030859, OMIM 619111.
Meckel syndrome, type 6. Identifiers: Orphanet 564, MedGen C2676790, MONDO:0012848, OMIM 612284.
Retinitis pigmentosa 93. Identifiers: MedGen C5676970, MONDO:0030797, OMIM 619845.
Neurodevelopmental disorder. Identifiers: MedGen C1535926, MeSH D065886, MONDO:0700092.
CC2D2A-related disorder. Also called: CC2D2A-related disorders; CC2D2A-related condition. Identifiers: MedGen CN239313.
Joubert syndrome. Also called: Familial aplasia of the vermis; JOUBERT-BOLTSHAUSER SYNDROME. Identifiers: Orphanet 475, MedGen C5979921, MONDO:0018772.
Meckel-Gruber syndrome. Also called: Dysencephalia splachnocystica; DYSENCEPHALIA SPLANCHNOCYSTICA; GRUBER SYNDROME. Identifiers: Orphanet 564, MedGen C0265215, MONDO:0018921.
Retinal dystrophy. Also called: Inherited retinal dystrophy. Identifiers: Orphanet 71862, MedGen C0854723, MeSH D058499, MONDO:0019118, HP:0000556.
Ciliopathy. Also called: Ciliopathies. Identifiers: Orphanet 363250, MedGen C4277690, MONDO:0005308, MeSH D000072661.
Joubert syndrome and related disorders. Identifiers: Orphanet 140874, MedGen C5679612, MONDO:0015369.
COACH syndrome 1. Identifiers: Orphanet 1454, MedGen C5435651, MONDO:0800103, OMIM 216360, MONDO:0008996.

Allele frequency attached by ClinVar (database versions not stated): ExAC 0.00017; gnomAD 0.00020; gnomAD exomes 0.00020 and 0.00032; TOPMed 0.00023; ESP Exome Variant Server 0.00025; 1000 Genomes Project 0.00040; 1000 Genomes Project 30x 0.00047.
gnomAD v4.1: 485 of 1,602,888 alleles (0.03%); highest among the groups gnomAD compares: Non-Finnish European, 0.039%; no homozygotes.

Submissions 1 to 14 of 21:

GeneDx
Classification: Pathogenic. Last evaluated: 2026-10-14. Review status: criteria provided, single submitter. Criteria: GeneDx Variant Classification Process June 2021. Collection method: clinical testing. Allele origin: germline.
Comment: In silico analysis supports that this missense variant has a deleterious effect on protein structure/function; This variant is associated with the following publications: (PMID: 36788019, 34758253, 33084218, 22425360, 22241855, 23012439, 19777577, 26092869, 30609409, 31618753, 33486889, 34426522, 32488064, 34448047, 26477546, 34234304, 31964843, 38439105, 41100445)

PreventionGenetics, part of Exact Sciences
Classification: Pathogenic for CC2D2A-related condition. Last evaluated: 2026-04-09. Review status: criteria provided, single submitter. Criteria: ACMG Guidelines, 2015. Collection method: clinical testing. Allele origin: germline.
Comment: The CC2D2A c.4667A>T variant is predicted to result in the amino acid substitution p.Asp1556Val. This variant has been reported in multiple individuals with Joubert syndrome (for examples see Mougou-Zerelli et al. 2009. PubMedID: 19777577; Srour et al. 2012. PubMedID: 22425360; Bachmann-Gagescu et al. 2015. PubMedID: 26092869; Srour et al. 2015. PubMed ID: 26477546). This variant is reported in 0.035% of alleles in individuals of European (Non-Finnish) descent in gnomAD. This variant is interpreted as pathogenic.

Labcorp Genetics (formerly Invitae), Labcorp
Classification: Pathogenic for Joubert syndrome; Meckel-Gruber syndrome. Last evaluated: 2026-01-28. Review status: criteria provided, single submitter. Criteria: Invitae Variant Classification Sherloc (09022015). Collection method: clinical testing. Allele origin: germline.
Comment: This sequence change replaces aspartic acid, which is acidic and polar, with valine, which is neutral and non-polar, at codon 1556 of the CC2D2A protein (p.Asp1556Val). This variant is present in population databases (rs201502401, gnomAD 0.04%). This missense change has been observed in individual(s) with Joubert syndrome (PMID: 19777577, 22241855, 22425360, 23012439, 26092869, 26477546). In at least one individual the data is consistent with being in trans (on the opposite chromosome) from a pathogenic variant. ClinVar contains an entry for this variant (Variation ID: 217607). Invitae Evidence Modeling of protein sequence and biophysical properties (such as structural, functional, and spatial information, amino acid conservation, physicochemical variation, residue mobility, and thermodynamic stability) has been performed for this missense variant. However, the output from this modeling did not meet the statistical confidence thresholds required to predict the impact of this variant on CC2D2A protein function. For these reasons, this variant has been classified as Pathogenic.

Mayo Clinic Laboratories, Mayo Clinic
Classification: Likely pathogenic. Last evaluated: 2025-08-11. Review status: criteria provided, single submitter. Criteria: ACMG Guidelines, 2015. Collection method: clinical testing. Allele origin: germline. Observed: 2 variant alleles.
Comment: PP3, PM2_supporting, PM3_strong, PS4_moderate

Blueprint Genetics
Classification: Pathogenic for CC2D2A-related disorders. Last evaluated: 2024-11-13. Review status: criteria provided, single submitter. Criteria: ACMG Guidelines, 2015. Collection method: clinical testing. Allele origin: germline. Affected: yes. Observed: 5 variant alleles.

Clinical Genetics Laboratory, Skane University Hospital Lund
Classification: Likely pathogenic. Last evaluated: 2024-03-11. Review status: criteria provided, single submitter. Criteria: ACMG Guidelines, 2015. Collection method: clinical testing. Allele origin: germline. Affected: yes.

Fulgent Genetics
Classification: Pathogenic for Meckel syndrome, type 6; Joubert syndrome 9; COACH syndrome 2; Retinitis pigmentosa 93. Last evaluated: 2023-12-30. Review status: criteria provided, single submitter. Criteria: ACMG Guidelines, 2015. Collection method: clinical testing. Allele origin: germline.

Women's Health and Genetics/Laboratory Corporation of America, LabCorp
Classification: Pathogenic for Joubert syndrome and related disorders. Last evaluated: 2023-06-14. Review status: criteria provided, single submitter. Criteria: LabCorp Variant Classification Summary - May 2015. Collection method: clinical testing. Allele origin: germline.
Comment: Variant summary: CC2D2A c.4667A>T (p.Asp1556Val) results in a non-conservative amino acid change in the encoded protein sequence. Four of five in-silico tools predict a damaging effect of the variant on protein function. The variant allele was found at a frequency of 0.0002 in 246244 control chromosomes. c.4667A>T has been reported in the literature in multiple individuals affected with Joubert Syndrome And Related Disorders (Examples: Bachmann-Gagescu_2015, Schueler_2016, Srour_2012, Srour_2015). These data indicate that the variant is very likely to be associated with disease. To our knowledge, no experimental evidence demonstrating an impact on protein function has been reported. The following publications have been ascertained in the context of this evaluation (PMID: 26092869, 26673778, 22425360, 26477546). Multiple clinical diagnostic laboratories have submitted clinical-significance assessments for this variant to ClinVar after 2014 and classified as pathogenic (n=10), likely pathogenic (n=2) and VUS (n=1), citing overlapping evidence utilized in the context of this evaluation. Based on the evidence outlined above, the variant was classified as pathogenic.

Neurometabolic Diseases Laboratory, Bellvitge Biomedical Research Institute (IDIBELL)
Classification: Likely pathogenic for Joubert syndrome 9. Last evaluated: 2023-04-27. Review status: criteria provided, single submitter. Criteria: ACMG Guidelines, 2015. Collection method: research. Allele origin: germline. Affected: yes.

Institute of Human Genetics, Univ. Regensburg, Univ. Regensburg
Classification: Likely pathogenic for Retinal dystrophy. Last evaluated: 2023-01-01. Review status: criteria provided, single submitter. Criteria: ACMG Guidelines, 2015. Collection method: clinical testing. Allele origin: germline. Affected: yes.

Department of Pathology and Laboratory Medicine, Sinai Health System
Classification: Pathogenic for ciliopathy. Last evaluated: 2022-04-06. Review status: criteria provided, single submitter. Criteria: ACMG Guidelines, 2015. Collection method: research. Allele origin: germline.

Laboratory of Molecular Genetics (Pr. Bezieau's lab), CHU de Nantes
Classification: Pathogenic for Neurodevelopmental disorder. Last evaluated: 2022-02-08. Review status: criteria provided, single submitter. Criteria: ACMG Guidelines, 2015. Collection method: clinical testing. Allele origin: germline. Affected: yes.

Revvity Omics, Revvity
Classification: Likely pathogenic. Last evaluated: 2021-06-17. Review status: criteria provided, single submitter. Criteria: ACMG Guidelines, 2015. Collection method: clinical testing. Allele origin: germline.

Victorian Clinical Genetics Services, Murdoch Childrens Research Institute
Classification: Pathogenic for Joubert syndrome 9. Last evaluated: 2020-05-21. Review status: criteria provided, single submitter. Criteria: ACMG Guidelines, 2015. Collection method: clinical testing. Allele origin: germline. Inheritance: Autosomal recessive inheritance. Affected: yes.
Comment: Based on the classification scheme VCGS_Germline_v1.1.1, this variant is classified as Pathogenic. Following criteria are met: 0102 - Loss-of-function is a known mechanism of disease for this gene. NMD-predicted variants resulting in loss of protein function have previously been reported in this gene (ClinVar). (N) 0106 - This gene is known to be associated with autosomal recessive disease. (N) 0200 - Variant is predicted to result in a missense amino acid change from an aspartate to a valine (exon 37). (N) 0251 - Variant is heterozygous. (N) 0304 - Variant is present in gnomAD <0.01 for a recessive condition (51 heterozygotes, 0 homozygotes). (P) 0501 - Missense variant consistently predicted to be damaging by multiple in silico tools or highly conserved with a major amino acid change. (P) 0604 - Variant is not located in an established domain, motif, hotspot or informative constraint region. (N) 0801 - Strong previous evidence of pathogenicity in unrelated individuals. This variant has previously been reported in multiple individuals with Joubert syndrome (ClinVar; PMID 26477546; PMID 22241855). (P) 1208 - Inheritance information for this variant is not currently available. (N) Legend: (P) - Pathogenic, (N) - Neutral, (B) - Benign

NM_001378615.1(CC2D2A):c.4667A>T (p.Asp1556Val)

Genes: FBXL5 (F-box and leucine rich repeat protein 5; minus strand), CC2D2A (coiled-coil and C2 domain containing 2A; plus strand). Cytogenetic location: 4p15.32.
Variant type: single nucleotide variant.
Coding change: c.4667A>T on transcript NM_001378615.1 (MANE Select); coding-DNA position 4667, A replaced by T.
Protein change: p.Asp1556Val; replaces aspartic acid 1556 with valine.
Molecular consequence: missense variant.
Genome position (GRCh38, 1-based): chr4:15,599,699, A>T. VCF-style: chr4-15599699-A-T. GRCh37 (hg19) VCF-style: chr4-15601322-A-T.
Other names: c.4667A>T, p.Asp1556Val (NM_001080522.2); c.4520A>T, p.Asp1507Val (NM_001378617.1); short protein forms D1556V, D1507V.
Identifiers: ClinVar variation 217607 (VCV000217607.110), dbSNP rs201502401, ClinGen allele CA210318.